The following is an entry in ClinVar:

ClinVar aggregate classification (germline): Uncertain significance. Review status: criteria provided, multiple submitters, no conflicts (2 of 4 stars). 3 submissions from 3 submitters: Uncertain significance (3). Last evaluated 2024-08-20.

Conditions:
Usher syndrome type 3B. Also called: USHER SYNDROME, TYPE IIIB. Identifiers: MedGen C3281066, MONDO:0013788, OMIM 614504.

Submissions (3):

Labcorp Genetics (formerly Invitae), Labcorp
Classification: Uncertain significance for Usher syndrome type 3B. Last evaluated: 2024-08-20. Review status: criteria provided, single submitter. Criteria: Invitae Variant Classification Sherloc (09022015). Collection method: clinical testing. Allele origin: germline.
Comment: This sequence change replaces aspartic acid, which is acidic and polar, with histidine, which is basic and polar, at codon 286 of the HARS protein (p.Asp286His). This variant is not present in population databases (gnomAD no frequency). This variant has not been reported in the literature in individuals affected with HARS-related conditions. ClinVar contains an entry for this variant (Variation ID: 2528973). An algorithm developed to predict the effect of missense changes on protein structure and function (PolyPhen-2) suggests that this variant is likely to be disruptive. In summary, the available evidence is currently insufficient to determine the role of this variant in disease. Therefore, it has been classified as a Variant of Uncertain Significance.

Ambry Genetics
Classification: Uncertain significance. Last evaluated: 2023-03-24. Review status: criteria provided, single submitter. Criteria: Ambry Variant Classification Scheme 2023. Collection method: clinical testing. Allele origin: germline.

Blueprint Genetics
Classification: Uncertain significance. Last evaluated: 2017-07-27. Review status: criteria provided, single submitter. Criteria: ACMG Guidelines, 2015. Collection method: clinical testing. Allele origin: germline.

NM_002109.6(HARS1):c.856G>C (p.Asp286His)

Gene: HARS1 (histidyl-tRNA synthetase 1; minus strand). Cytogenetic location: 5q31.3.
Variant type: single nucleotide variant.
Coding change: c.856G>C on transcript NM_002109.6 (MANE Select); coding-DNA position 856, G replaced by C.
Protein change: p.Asp286His; replaces aspartic acid 286 with histidine.
Molecular consequence: missense variant.
Genome position (GRCh38, 1-based): chr5:140,677,084, C>G on the plus strand (G>C on the coding strand, the complement: HARS1 is on the minus strand). VCF-style: chr5-140677084-C-G. GRCh37 (hg19) VCF-style: chr5-140056669-C-G.
Other names: c.736G>C, p.Asp246His (NM_001258040.3); c.796G>C, p.Asp266His (NM_001258041.3); c.676G>C, p.Asp226His (NM_001258042.3); c.634G>C, p.Asp212His (NM_001289092.2); c.514G>C, p.Asp172His (NM_001289093.2); c.769G>C, p.Asp257His (NM_001289094.2); short protein forms D172H, D212H, D226H, D246H, D257H, D266H, D286H.
Identifiers: ClinVar variation 2528973 (VCV002528973.5), dbSNP rs2481249746, ClinGen allele CA361253245.